The following is an entry in ClinVar:

NM_003803.4(MYOM1):c.3291C>G (p.Asn1097Lys)

Gene: MYOM1 (myomesin 1; minus strand). Cytogenetic location: 18p11.31.
Variant type: single nucleotide variant.
Coding change: c.3291C>G on transcript NM_003803.4 (MANE Select); coding-DNA position 3291, C replaced by G.
Protein change: p.Asn1097Lys; replaces asparagine 1097 with lysine.
Molecular consequence: missense variant.
Genome position (GRCh38, 1-based): chr18:3,116,343, G>C on the plus strand (C>G on the coding strand, the complement: MYOM1 is on the minus strand). VCF-style: chr18-3116343-G-C. GRCh37 (hg19) VCF-style: chr18-3116341-G-C.
Other names: c.3003C>G, p.Asn1001Lys (NM_019856.2); short protein forms N1097K, N1001K.
Identifiers: ClinVar variation 4744538 (VCV004744538.1).

ClinVar aggregate classification (germline): Uncertain significance (1 of 4 stars; one submission).

Conditions:
Hypertrophic cardiomyopathy. Also called: HYPERTROPHIC MYOCARDIOPATHY. Identifiers: Orphanet 217569, MedGen C0007194, MeSH D002312, MONDO:0005045, HP:0001639.

gnomAD v4.1: 17 of 1,611,156 alleles (0.0011%); highest among the groups gnomAD compares: African/African-American, 0.0027%; no homozygotes.

Submission:

Labcorp Genetics (formerly Invitae), Labcorp
Classification: Uncertain significance for Hypertrophic cardiomyopathy. Last evaluated: 2025-06-06. Review status: criteria provided, single submitter. Criteria: Invitae Variant Classification Sherloc (09022015). Collection method: clinical testing. Allele origin: germline.
Comment: This sequence change replaces asparagine, which is neutral and polar, with lysine, which is basic and polar, at codon 1097 of the MYOM1 protein (p.Asn1097Lys). This variant is present in population databases (rs201092091, gnomAD 0.008%). This variant has not been reported in the literature in individuals affected with MYOM1-related conditions. Invitae Evidence Modeling of protein sequence and biophysical properties (such as structural, functional, and spatial information, amino acid conservation, physicochemical variation, residue mobility, and thermodynamic stability) indicates that this missense variant is not expected to disrupt MYOM1 protein function with a negative predictive value of 80%. In summary, the available evidence is currently insufficient to determine the role of this variant in disease. Therefore, it has been classified as a Variant of Uncertain Significance.